The following is an entry in ClinVar:

NM_003579.4(RAD54L):c.718C>T (p.Pro240Ser)

Gene: RAD54L (RAD54 like; plus strand). Cytogenetic location: 1p34.1.
Variant type: single nucleotide variant.
Coding change: c.718C>T on transcript NM_003579.4 (MANE Select); coding-DNA position 718, C replaced by T.
Protein change: p.Pro240Ser; replaces proline 240 with serine.
Molecular consequence: missense variant.
Genome position (GRCh38, 1-based): chr1:46,260,967, C>T. VCF-style: chr1-46260967-C-T. GRCh37 (hg19) VCF-style: chr1-46726639-C-T.
Other names: c.718C>T, p.Pro240Ser (NM_001142548.2); c.178C>T, p.Pro60Ser (NM_001370766.1); short protein forms P240S, P60S.
Identifiers: ClinVar variation 1757584 (VCV001757584.2), dbSNP rs2525670280, ClinGen allele CA340187675.

ClinVar aggregate classification (germline): Uncertain significance (1 of 4 stars; one submission).

Allele frequency attached by ClinVar (database versions not stated): gnomAD exomes below 0.00001.
gnomAD v4.1: 2 of 1,614,126 alleles (0.00012%); highest among the groups gnomAD compares: East Asian, 0.0022%; no homozygotes.

Submission:

Ambry Genetics
Classification: Uncertain significance. Last evaluated: 2022-05-24. Review status: criteria provided, single submitter. Criteria: Ambry Variant Classification Scheme 2023. Collection method: clinical testing. Allele origin: germline.
Comment: The p.P240S variant (also known as c.718C>T), located in coding exon 7 of the RAD54L gene, results from a C to T substitution at nucleotide position 718. The proline at codon 240 is replaced by serine, an amino acid with similar properties. This amino acid position is conserved. In addition, this alteration is predicted to be deleterious by in silico analysis. Since supporting evidence is limited at this time, the clinical significance of this alteration remains unclear.